The following is an entry in ClinVar:

NM_002471.4(MYH6):c.4794G>A (p.Ser1598=)

Genes: MYH6 (myosin heavy chain 6; minus strand), LOC126861896 (BRD4-independent group 4 enhancer GRCh37_chr14:23854904-23856103; plus strand). Cytogenetic location: 14q11.2.
Variant type: single nucleotide variant.
Coding change: c.4794G>A on transcript NM_002471.4 (MANE Select); coding-DNA position 4794, G replaced by A.
Protein change: p.Ser1598=; no amino-acid change (serine 1598 retained).
Molecular consequence: synonymous variant.
Genome position (GRCh38, 1-based): chr14:23,386,480, C>T on the plus strand (G>A on the coding strand, the complement: MYH6 is on the minus strand). VCF-style: chr14-23386480-C-T. GRCh37 (hg19) VCF-style: chr14-23855689-C-T.
Identifiers: ClinVar variation 2452915 (VCV002452915.5), dbSNP rs981486511, ClinGen allele CA257779046.

ClinVar aggregate classification (germline): Conflicting classifications of pathogenicity. Review status: criteria provided, conflicting classifications (1 of 4 stars). 2 submissions from 2 submitters: Uncertain significance (1); Likely benign (1). Last evaluated 2025-04-20.

Conditions:
Cardiovascular phenotype. Identifiers: MedGen CN230736.
Hypertrophic cardiomyopathy 14. Identifiers: MedGen C2750467, MONDO:0013197, OMIM 613251.

Allele frequency attached by ClinVar (database versions not stated): TOPMed 0.00002; gnomAD 0.00001; gnomAD exomes 0.00001.
gnomAD v4.1: 11 of 1,614,060 alleles (0.00068%); highest among the groups gnomAD compares: African/African-American, 0.0027%; no homozygotes.

Submissions (2):

Labcorp Genetics (formerly Invitae), Labcorp
Classification: Likely benign for Hypertrophic cardiomyopathy 14. Last evaluated: 2025-04-20. Review status: criteria provided, single submitter. Criteria: Invitae Variant Classification Sherloc (09022015). Collection method: clinical testing. Allele origin: germline.

Ambry Genetics
Classification: Uncertain significance for Cardiovascular phenotype. Last evaluated: 2022-12-20. Review status: criteria provided, single submitter. Criteria: Ambry Variant Classification Scheme 2023. Collection method: clinical testing. Allele origin: germline.
Comment: The c.4794G>A variant (also known as p.S1598S), located in coding exon 31 of the MYH6 gene, results from a G to A substitution at nucleotide position 4794. This nucleotide substitution does not change the serine at codon 1598. This nucleotide position is poorly conserved in available vertebrate species. In silico splice site analysis predicts that this alteration may result in the creation or strengthening of a novel splice acceptor site. Since supporting evidence is limited at this time, the clinical significance of this alteration remains unclear.